The following is an entry in ClinVar:

NM_006031.6(PCNT):c.54G>A (p.Lys18=)

Gene: PCNT (pericentrin; plus strand). Cytogenetic location: 21q22.3.
Variant type: single nucleotide variant.
Coding change: c.54G>A on transcript NM_006031.6 (MANE Select); coding-DNA position 54, G replaced by A.
Protein change: p.Lys18=; no amino-acid change (lysine 18 retained).
Molecular consequence: synonymous variant.
Genome position (GRCh38, 1-based): chr21:46,324,282, G>A. VCF-style: chr21-46324282-G-A. GRCh37 (hg19) VCF-style: chr21-47744196-G-A.
Identifiers: ClinVar variation 2634215 (VCV002634215.1), dbSNP rs367711247, ClinGen allele CA10078096.
Genomic context (GRCh38, chr21:46,324,282, plus strand): 5'-GAGGGAGATGGAAGTTGAGCAAGAGCAGCGGCGCAGAAAGGTGGAGGCCGGGAGGACGAA[G>A]GTAAACATTAGGGGCTTCTTCTCTAGCTGCTCTGGCGTGAAGTCCTAAGGGCGGCTCCGG-3'
Protein context (NP_006022.3, residues 8-28): RRRKVEAGRT[Lys18=]LAHFRQRKTK

ClinVar aggregate classification (germline): Uncertain significance (1 of 4 stars; one submission).

Conditions:
PCNT-related disorder. Also called: PCNT-related condition.

Allele frequency attached by ClinVar (database versions not stated): gnomAD 0.00002; ExAC 0.00003; TOPMed 0.00003; ESP Exome Variant Server 0.00015.
gnomAD v4.1: 33 of 1,609,724 alleles (0.0021%); highest among the groups gnomAD compares: Non-Finnish European, 0.0024%; no homozygotes.

Submission:

PreventionGenetics, part of Exact Sciences
Classification: Uncertain significance for PCNT-related condition. Last evaluated: 2022-09-11. Review status: criteria provided, single submitter. Criteria: ACMG Guidelines, 2015. Collection method: clinical testing. Allele origin: germline.
Comment: The PCNT c.54G>A variant is not predicted to result in an amino acid change (p.=). This variant affects the last nucleotide of exon 1 and is predicted to abolish the canonical splice site (Alamut Visual Plus v1.6.1). To our knowledge, this variant has not been reported in the literature. This variant is reported in 0.0042% of alleles in individuals of African descent in gnomAD. At this time, the clinical significance of this variant is uncertain due to the absence of conclusive functional and genetic evidence.